The following is an entry in ClinVar:

ClinVar aggregate classification (germline): other (1 of 4 stars; one submission).

Conditions:
Cholesteatoma of middle ear. Identifiers: MedGen C0155490, MeSH D018424, MONDO:0006533.

Submission:

Department of Human Genetics, Nagasaki University
Classification: other for Cholesteatoma of middle ear. Review status: criteria provided, single submitter. Criteria: AMP Guidelines, 2017. Collection method: research. Allele origin: somatic. Affected: yes. Observed: 1 variant allele.
Comment: variant allele frequency in tumore is 0.254 (33/130)

NM_017617.5(NOTCH1):c.3304G>T (p.Glu1102Ter)

Gene: NOTCH1 (notch receptor 1; minus strand). Cytogenetic location: 9q34.3.
Variant type: single nucleotide variant.
Coding change: c.3304G>T on transcript NM_017617.5 (MANE Select); coding-DNA position 3304, G replaced by T.
Protein change: p.Glu1102Ter; replaces glutamic acid 1102 with a stop codon.
Molecular consequence: nonsense.
Genome position (GRCh38, 1-based): chr9:136,508,253, C>A on the plus strand (G>T on the coding strand, the complement: NOTCH1 is on the minus strand). VCF-style: chr9-136508253-C-A. GRCh37 (hg19) VCF-style: chr9-139402705-C-A.
Other names: short protein forms E1102*.
Identifiers: ClinVar variation 2413168 (VCV002413168.1), dbSNP rs2133347115, ClinGen allele CA375551860.
Genomic context (GRCh38, chr9:136,508,253, plus strand): 5'-ATGGGCTGGGACCCGAGCTGGGTGGGCACAGCAGGTTACCTTGTCGCTGCGCAGCCACCT[C>A]ACAGGACACGCTGGGCACGTCGCAGTAAAGGCCGGTCCAGCCGCTGGGGCACTCGCAGCG-3'